The following is an entry in ClinVar:

ClinVar aggregate classification (germline): Conflicting classifications of pathogenicity. Review status: criteria provided, conflicting classifications (1 of 4 stars). 2 submissions from 2 submitters: Likely pathogenic (1); Uncertain significance (1). Last evaluated 2026-02-02.

Submissions (2):

GeneDx
Classification: Likely pathogenic. Last evaluated: 2026-02-02. Review status: criteria provided, single submitter. Criteria: GeneDx Variant Classification Process June 2021. Collection method: clinical testing. Allele origin: germline. Affected: yes.
Comment: Identified in two siblings with ARVC, however, diagnostic criteria is unclear and functional studies were not performed (PMID: 22458570); Not observed at significant frequency in large population cohorts (gnomAD); Frameshift variant predicted to result in protein truncation or nonsense mediated decay in a gene for which loss of function is a known mechanism of disease; This variant is associated with the following publications: (PMID: 31402444, 22458570)

Laboratory for Molecular Medicine, Mass General Brigham Personalized Medicine
Classification: Uncertain significance. Last evaluated: 2012-02-13. Review status: criteria provided, single submitter. Criteria: LMM Criteria. Collection method: clinical testing. Allele origin: germline. Observed: 3 variant alleles.
Comment: Variant classified as Uncertain Significance - Favor Pathogenic. The Thr412fs va riant in DSC2 has been reported in 1 individual with ARVC and 1 affected relativ e (Rajkumar 2012), and was not identified in large population studies. These individuals carried a second, possibly disease-causing variant, which was also detected in isolation in an affected rel ative. This frameshift variant is predicted to alter the protein?s amino acid se quence beginning at position 412 and lead to a premature termination codon 3 ami no acids downstream. This alteration is then predicted to lead to a truncated or absent protein. Loss of function variants in DSC2 are known to be involved in t he etiology of ARVC. Although this data supports that the Thr412fs variant may b e pathogenic, additional studies are needed to fully assess its clinical signifi cance.

Literature cited by the submitters: PubMed 22458570 (cited by Laboratory for Molecular Medicine, Mass General Brigham Personalized Medicine).

NM_004949.5(DSC2):c.1234dup (p.Thr412fs)

Gene: DSC2 (desmocollin 2; minus strand). Cytogenetic location: 18q12.1.
Variant type: Duplication.
Coding change: c.1234dup on transcript NM_004949.5; coding-DNA position 1234, one base duplicated (A; older notation c.1234dupA).
Protein change: p.Thr412fs; shifts the reading frame from threonine 412.
Genome position (GRCh38, 1-based): chr18:31,082,267, T duplicated on the plus strand (A on the coding strand, the reverse complement: DSC2 is on the minus strand); the first of 4 consecutive T bases (chr18:31,082,267-31,082,270); duplicating any one gives the same sequence. VCF-style (leftmost placement, unchanged base first): chr18-31082266-G-GT. GRCh37 (hg19) VCF-style: chr18-28662232-G-GT.
Other names: p.Thr412AsnfsX3; c.1234dupA (NM_024422.3); c.1234dup, p.Thr412fs (NM_024422.6); short protein forms T412fs.
Identifiers: ClinVar variation 46164 (VCV000046164.11), dbSNP rs397517390, ClinGen allele CA137783.